The following is an entry in ClinVar:

NM_018723.4(RBFOX1):c.1101G>C (p.Lys367Asn)

Gene: RBFOX1 (RNA binding fox-1 homolog 1; plus strand). Cytogenetic location: 16p13.3.
Variant type: single nucleotide variant.
Coding change: c.1101G>C on transcript NM_018723.4 (MANE Select); coding-DNA position 1101, G replaced by C.
Protein change: p.Lys367Asn; replaces lysine 367 with asparagine.
Molecular consequence: missense variant. On other transcripts: 3 prime UTR variant (2), intron variant (1).
Genome position (GRCh38, 1-based): chr16:7,710,652, G>C. VCF-style: chr16-7710652-G-C. GRCh37 (hg19) VCF-style: chr16-7760654-G-C.
Other names: c.1176G>C, p.Lys392Asn (NM_001415893.1); c.*1081G>C (NM_001415894.1, NM_001415899.1, NM_001415914.1); c.*29G>C (NM_001415895.1, NM_001415898.1, NM_001415901.1 and 12 more transcripts); c.1161G>C, p.Lys387Asn (NM_001415896.1); c.1149G>C, p.Lys383Asn (NM_001415897.1); c.1128G>C, p.Lys376Asn (NM_001415900.1); c.1107G>C, p.Lys369Asn (NM_001415902.1); c.1095G>C, p.Lys365Asn (NM_001415903.1); and 11 more; short protein forms K336N, K376N, K367N, K539N, K345N, K361N, K388N, K403N.
Identifiers: ClinVar variation 2014656 (VCV002014656.4), dbSNP rs2510616894, ClinGen allele CA394796100.

ClinVar aggregate classification (germline): Uncertain significance (1 of 4 stars; one submission).

Conditions:
Idiopathic generalized epilepsy. Also called: EIG; Generalised epilepsy. Identifiers: MedGen C0270850, MONDO:0005579, OMIM 600669.

Submission:

Labcorp Genetics (formerly Invitae), Labcorp
Classification: Uncertain significance for Idiopathic generalized epilepsy. Last evaluated: 2023-11-27. Review status: criteria provided, single submitter. Criteria: Invitae Variant Classification Sherloc (09022015). Collection method: clinical testing. Allele origin: germline.
Comment: This sequence change replaces lysine, which is basic and polar, with asparagine, which is neutral and polar, at codon 388 of the RBFOX1 protein (p.Lys388Asn). This variant is not present in population databases (gnomAD no frequency). This variant has not been reported in the literature in individuals affected with RBFOX1-related conditions. ClinVar contains an entry for this variant (Variation ID: 2014656). An algorithm developed to predict the effect of missense changes on protein structure and function (PolyPhen-2) suggests that this variant is likely to be tolerated. In summary, the available evidence is currently insufficient to determine the role of this variant in disease. Therefore, it has been classified as a Variant of Uncertain Significance.